The following is an entry in ClinVar:

NM_003482.4(KMT2D):c.8311C>T (p.Arg2771Ter)

Gene: KMT2D (lysine methyltransferase 2D; minus strand). Cytogenetic location: 12q13.12.
Variant type: single nucleotide variant.
Coding change: c.8311C>T on transcript NM_003482.4 (MANE Select); coding-DNA position 8311, C replaced by T.
Protein change: p.Arg2771Ter; replaces arginine 2771 with a stop codon.
Molecular consequence: nonsense.
Genome position (GRCh38, 1-based): chr12:49,039,277, G>A on the plus strand (C>T on the coding strand, the complement: KMT2D is on the minus strand). VCF-style: chr12-49039277-G-A. GRCh37 (hg19) VCF-style: chr12-49433060-G-A.
Other names: short protein forms R2771*.
Identifiers: ClinVar variation 503723 (VCV000503723.15), dbSNP rs1251778848, ClinGen allele CA384742778.
Genomic context (GRCh38, chr12:49,039,277, plus strand): 5'-CTCACCGGCTGTTCACATCCATAGAGGAAGGCGTGGCTGGTGGAGGTGGCCGGGAGAGTC[G>A]GTCATCGCTAGGGAAGGACCCTGGCCCCAGGATGGGGCCACTCAGCTTGCTTGGGGGCAA-3'

ClinVar aggregate classification (germline): Pathogenic. Review status: criteria provided, multiple submitters, no conflicts (2 of 4 stars). 5 submissions from 5 submitters: Pathogenic (4). 1 of the submissions does not count toward it. Last evaluated 2023-03-21.

Conditions:
Kabuki syndrome. Also called: NIIKAWA-KUROKI SYNDROME; Kabuki make-up syndrome. Identifiers: Orphanet 2322, MedGen C0796004, MONDO:0016512.
Kabuki syndrome 1 (KABUK1). Also called: KMT2D-Related Kabuki Syndrome. Identifiers: Orphanet 2322, MedGen CN030661, MONDO:0007843, OMIM 147920.

Submissions (5):

Greenwood Genetic Center Diagnostic Laboratories, Greenwood Genetic Center
Classification: Pathogenic for Kabuki syndrome 1. Last evaluated: 2023-03-21. Review status: criteria provided, single submitter. Criteria: ACMG Guidelines, 2015. Collection method: clinical testing. Allele origin: germline. Affected: yes.
Comment: PVS1, PS4_Moderate, PM2, PM6_Strong

GeneDx
Classification: Pathogenic. Last evaluated: 2022-12-27. Review status: criteria provided, single submitter. Criteria: GeneDx Variant Classification Process June 2021. Collection method: clinical testing. Allele origin: germline. Affected: yes.
Comment: Nonsense variant predicted to result in protein truncation or nonsense mediated decay in a gene for which loss-of-function is a known mechanism of disease; Not observed at significant frequency in large population cohorts (gnomAD); This variant is associated with the following publications: (PMID: 25525159, 21280141, 29450879, 25338707)

Labcorp Genetics (formerly Invitae), Labcorp
Classification: Pathogenic for Kabuki syndrome. Last evaluated: 2021-08-12. Review status: criteria provided, single submitter. Criteria: Invitae Variant Classification Sherloc (09022015). Collection method: clinical testing. Allele origin: germline.
Comment: For these reasons, this variant has been classified as Pathogenic. This variant has been observed in individual(s) with Kabuki syndrome (PMID: 21280141, 29450879). In at least one individual the variant was observed to be de novo. ClinVar contains an entry for this variant (Variation ID: 503723). This variant is not present in population databases (ExAC no frequency). This sequence change creates a premature translational stop signal (p.Arg2771*) in the KMT2D gene. It is expected to result in an absent or disrupted protein product. Loss-of-function variants in KMT2D are known to be pathogenic (PMID: 22126750).

Institute for Genomic Statistics and Bioinformatics, University Hospital Bonn
Classification: Pathogenic for Kabuki syndrome 1. Review status: criteria provided, single submitter. Criteria: ACMG Guidelines, 2015. Collection method: clinical testing. Allele origin: unknown. Affected: yes. Observed: 1 variant allele.

Autoinflammatory diseases unit, CHU de Montpellier
Classification: Pathogenic for Kabuki syndrome 1. Last evaluated: 2018-07-03. Review status: no assertion criteria provided. Collection method: clinical testing. Allele origin: de novo. Affected: yes. Not counted in ClinVar's aggregate classification.

Literature cited by the submitters: PubMed 21280141 (cited by Labcorp Genetics (formerly Invitae), Labcorp and Autoinflammatory diseases unit, CHU de Montpellier); PubMed 29450879 (cited by Labcorp Genetics (formerly Invitae), Labcorp); PubMed 22126750 (cited by Labcorp Genetics (formerly Invitae), Labcorp).